The following is an entry in ClinVar:

NM_000038.6(APC):c.7920A>G (p.Ser2640=)

Gene: APC (APC regulator of Wnt signaling pathway; plus strand). Cytogenetic location: 5q22.2.
Variant type: single nucleotide variant.
Coding change: c.7920A>G on transcript NM_000038.6 (MANE Select); coding-DNA position 7920, A replaced by G.
Protein change: p.Ser2640=; no amino-acid change (serine 2640 retained).
Molecular consequence: synonymous variant. On other transcripts: non-coding transcript variant (2).
Genome position (GRCh38, 1-based): chr5:112,843,514, A>G. VCF-style: chr5-112843514-A-G. GRCh37 (hg19) VCF-style: chr5-112179211-A-G.
Other names: c.7920A>G, p.Ser2640= (NM_001127510.3, NM_001354895.2, NM_001407450.1); c.7866A>G, p.Ser2622= (NM_001127511.3); c.7974A>G, p.Ser2658= (NM_001354896.2, NM_001407447.1, NM_001407448.1 and 1 more transcripts); c.7950A>G, p.Ser2650= (NM_001354897.2); c.7845A>G, p.Ser2615= (NM_001354898.2); c.7836A>G, p.Ser2612= (NM_001354899.2); c.7797A>G, p.Ser2599= (NM_001354900.2); c.7743A>G, p.Ser2581= (NM_001354901.2, NM_001407453.1); and 11 more.
Identifiers: ClinVar variation 2184134 (VCV002184134.5), dbSNP rs1766599566, ClinGen allele CA446210959.

ClinVar aggregate classification (germline): Benign/Likely benign. Review status: criteria provided, multiple submitters, no conflicts (2 of 4 stars). 2 submissions from 2 submitters: Benign (1); Likely benign (1). Last evaluated 2024-04-11.

Conditions:
Familial adenomatous polyposis 1 (FAP1). Also called: POLYPOSIS, ADENOMATOUS INTESTINAL; FAMILIAL ADENOMATOUS POLYPOSIS 1, ATTENUATED. Identifiers: MedGen C2713442, MONDO:0021056, OMIM 175100. Disease mechanism: loss of function.

Allele frequency attached by ClinVar (database versions not stated): gnomAD exomes below 0.00001.
gnomAD v4.1: 1 of 1,613,910 alleles (0.000062%); highest among the groups gnomAD compares: Non-Finnish European, 0.000085%; no homozygotes.

Submissions (2):

Myriad Genetics, Inc.
Classification: Benign for Familial adenomatous polyposis 1. Last evaluated: 2024-04-11. Review status: criteria provided, single submitter. Criteria: Myriad Autosomal Dominant, Autosomal Recessive and X-Linked Classification Criteria (2023). Collection method: clinical testing. Allele origin: unknown.
Comment: This variant is considered benign. This variant is a silent/synonymous amino acid change and it is not expected to impact splicing.

Labcorp Genetics (formerly Invitae), Labcorp
Classification: Likely benign for Familial adenomatous polyposis 1. Last evaluated: 2022-01-26. Review status: criteria provided, single submitter. Criteria: Invitae Variant Classification Sherloc (09022015). Collection method: clinical testing. Allele origin: germline.